The following is an entry in ClinVar:

NM_002641.4(PIGA):c.1162A>G (p.Arg388Gly)

Gene: PIGA (phosphatidylinositol glycan anchor biosynthesis class A; minus strand). Cytogenetic location: Xp22.2.
Variant type: single nucleotide variant.
Coding change: c.1162A>G on transcript NM_002641.4 (MANE Select); coding-DNA position 1162, A replaced by G.
Protein change: p.Arg388Gly; replaces arginine 388 with glycine.
Molecular consequence: missense variant. On other transcripts: non-coding transcript variant (4).
Genome position (GRCh38, 1-based): chrX:15,324,691, T>C on the plus strand (A>G on the coding strand, the complement: PIGA is on the minus strand). VCF-style: chrX-15324691-T-C. GRCh37 (hg19) VCF-style: chrX-15342813-T-C.
Other names: c.1255A>G, p.Arg419Gly (NM_001440789.1); c.553A>G, p.Arg185Gly (NM_001440790.1); c.460A>G, p.Arg154Gly (NM_020473.3); short protein forms R154G, R185G, R388G, R419G.
Identifiers: ClinVar variation 4885485 (VCV004885485.2).
Genomic context (GRCh38, chrX:15,324,691, plus strand): 5'-TTCAGACACAATCTTTTCTCAGCATGTGACATACCTTTTCAGTTCTTTCTGCAACATTCC[T>C]CCAGGTGTAGAAAGTCTTTACTATGTTATGGATGTTTTCTGGAGCTGGCAATGTCCCTGA-3'
Protein context (NP_002632.1, residues 378-398): HNIVKTFYTW[Arg388Gly]NVAERTEKVY

ClinVar aggregate classification (germline): Uncertain significance (1 of 4 stars; one submission).

Submission:

Dasa
Classification: Uncertain significance. Last evaluated: 2025-07-07. Review status: criteria provided, single submitter. Criteria: DASA Assertion Criteria. Collection method: clinical testing. Allele origin: germline.
Comment: NM_002641.4(PIGA):c.1162A>G (p.Arg388Gly) is a missense variant that results in the substitution of arginine with glycine. This variant is absent from population databases. The currently available literature and clinical evidence are not sufficient to establish a definitive association between this variant and the reported condition. Therefore, this variant is classified as a variant of uncertain significance.